The following is an entry in ClinVar:

NM_000070.3(CAPN3):c.1922C>T (p.Pro641Leu)

Gene: CAPN3 (calpain 3; plus strand). Cytogenetic location: 15q15.1.
Variant type: single nucleotide variant.
Coding change: c.1922C>T on transcript NM_000070.3 (MANE Select); coding-DNA position 1922, C replaced by T.
Protein change: p.Pro641Leu; replaces proline 641 with leucine.
Molecular consequence: missense variant. On other transcripts: 5 prime UTR variant (2).
Genome position (GRCh38, 1-based): chr15:42,409,310, C>T. VCF-style: chr15-42409310-C-T. GRCh37 (hg19) VCF-style: chr15-42701508-C-T.
Other names: c.1904C>T, p.Pro635Leu (NM_024344.2); c.1646C>T, p.Pro549Leu (NM_173087.2); c.386C>T, p.Pro129Leu (NM_173088.2); c.-74C>T (NM_173089.2, NM_173090.2); short protein forms P129L, P549L, P635L, P641L.
Identifiers: ClinVar variation 856843 (VCV000856843.10), dbSNP rs2054128388, ClinGen allele CA392001144.

ClinVar aggregate classification (germline): Uncertain significance (1 of 4 stars; one submission).

Conditions:
Autosomal recessive limb-girdle muscular dystrophy type 2A (LGMDR1). Also called: Calpainopathy; Limb-girdle muscular dystrophy, type 2A; LEYDEN-MOEBIUS MUSCULAR DYSTROPHY; MUSCULAR DYSTROPHY, PELVOFEMORAL; Muscular dystrophy, limb-girdle, type 2A, Amish. Identifiers: Orphanet 267, MedGen C1869123, MONDO:0009675, OMIM 253600. Disease mechanism: loss of function.

Submission:

Labcorp Genetics (formerly Invitae), Labcorp
Classification: Uncertain significance for Autosomal recessive limb-girdle muscular dystrophy type 2A. Last evaluated: 2022-07-19. Review status: criteria provided, single submitter. Criteria: Invitae Variant Classification Sherloc (09022015). Collection method: clinical testing. Allele origin: germline.
Comment: In summary, the available evidence is currently insufficient to determine the role of this variant in disease. Therefore, it has been classified as a Variant of Uncertain Significance. Algorithms developed to predict the effect of missense changes on protein structure and function are either unavailable or do not agree on the potential impact of this missense change (SIFT: "Deleterious"; PolyPhen-2: "Benign"; Align-GVGD: "Class C0"). ClinVar contains an entry for this variant (Variation ID: 856843). This missense change has been observed in individual(s) with limb-girdle muscular dystrophy (PMID: 33337384). This variant is not present in population databases (gnomAD no frequency). This sequence change replaces proline, which is neutral and non-polar, with leucine, which is neutral and non-polar, at codon 641 of the CAPN3 protein (p.Pro641Leu).

Literature cited by the submitters: PubMed 33337384.